The following is an entry in ClinVar:

NM_006767.4(LZTR1):c.1260+2T>C

Gene: LZTR1 (leucine zipper like post translational regulator 1; plus strand). Cytogenetic location: 22q11.21.
Variant type: single nucleotide variant.
Coding change: c.1260+2T>C on transcript NM_006767.4 (MANE Select); the canonical splice donor site of the intron after coding-DNA position 1260, T replaced by C.
Molecular consequence: splice donor variant.
Genome position (GRCh38, 1-based): chr22:20,992,906, T>C. VCF-style: chr22-20992906-T-C. GRCh37 (hg19) VCF-style: chr22-21347195-T-C.
Identifiers: ClinVar variation 1762870 (VCV001762870.7), dbSNP rs1924658167, ClinGen allele CA410774195.

ClinVar aggregate classification (germline): Conflicting classifications of pathogenicity. Review status: criteria provided, conflicting classifications (1 of 4 stars). 3 submissions from 3 submitters: Likely pathogenic (1); Uncertain significance (2). Last evaluated 2025-04-13.

Conditions:
LZTR1-related schwannomatosis. Also called: Schwannomatosis 2; Schwannomatosis-2, susceptibility to. Identifiers: Orphanet 93921, MedGen C3810283, MONDO:0014299, OMIM 615670.
Noonan syndrome 2 (NS2). Identifiers: Orphanet 648, MedGen C1854469, MONDO:0011531, OMIM 605275.
Noonan syndrome 10 (NS10). Identifiers: Orphanet 648, MedGen C4225280, MONDO:0014693, OMIM 616564.
Hereditary cancer-predisposing syndrome. Also called: Hereditary neoplastic syndrome; Neoplastic Syndromes, Hereditary; Tumor predisposition; Hereditary Cancer Syndrome. Identifiers: Orphanet 140162, MedGen C0027672, MeSH D009386, MONDO:0015356.
Cardiovascular phenotype. Identifiers: MedGen CN230736.

Submissions (3):

Labcorp Genetics (formerly Invitae), Labcorp
Classification: Likely pathogenic. Last evaluated: 2025-04-13. Review status: criteria provided, single submitter. Criteria: Invitae Variant Classification Sherloc (09022015). Collection method: clinical testing. Allele origin: germline.
Comment: This sequence change affects a donor splice site in intron 11 of the LZTR1 gene. It is expected to disrupt RNA splicing. Variants that disrupt the donor or acceptor splice site typically lead to a loss of protein function (PMID: 16199547), and loss-of-function variants in LZTR1 are known to be pathogenic (PMID: 24362817, 25335493, 25480913, 25795793, 29469822, 30368668, 30442762, 30442766, 30481304, 30859559). This variant is not present in population databases (gnomAD no frequency). Disruption of this splice site has been observed in individual(s) with schwannomatosis (PMID: 29409008). ClinVar contains an entry for this variant (Variation ID: 1762870). Algorithms developed to predict the effect of sequence changes on RNA splicing suggest that this variant may disrupt the consensus splice site. In summary, the currently available evidence indicates that the variant is pathogenic, but additional data are needed to prove that conclusively. Therefore, this variant has been classified as Likely Pathogenic.

Ambry Genetics
Classification: Uncertain significance for Cardiovascular phenotype; Hereditary cancer-predisposing syndrome. Last evaluated: 2022-07-01. Review status: criteria provided, single submitter. Criteria: Ambry Variant Classification Scheme 2023. Collection method: clinical testing. Allele origin: germline.
Comment: The c.1260+2T>C intronic variant results from a T to C substitution two nucleotide after coding exon 11 of the LZTR1 gene. In silico splice site analysis predicts that this alteration will weaken the native splice donor site and may result in the creation or strengthening of a novel splice donor site; however, direct evidence is insufficient at this time (Ambry internal data). Alterations that disrupt the canonical splice site are expected to cause aberrant splicing, resulting in an abnormal protein or a transcript that is subject to nonsense-mediated mRNA decay; however, +2T>C alterations are capable of generating wild-type transcripts in some genomic contexts and should be interpreted with caution (Lin JH et al. Hum Mutat. 2019 10;40:1856-1873). Since supporting evidence is limited at this time, the clinical significance of this alteration remains unclear.

Juno Genomics, Hangzhou Juno Genomics, Inc
Classification: Uncertain significance for LZTR1-related schwannomatosis; Noonan syndrome 10; Noonan syndrome 2. Review status: criteria provided, single submitter. Criteria: ACMG Guidelines, 2015. Collection method: clinical testing. Allele origin: germline.
Comment: Null variant in a gene where loss of function (LOF) is a known mechanism of disease.;Absent from controls (or at extremely low frequency if recessive) in Genome Aggregation Database.

Literature cited by the submitters: PubMed 16199547 (cited by Labcorp Genetics (formerly Invitae), Labcorp); PubMed 24362817 (cited by Labcorp Genetics (formerly Invitae), Labcorp); PubMed 25335493 (cited by Labcorp Genetics (formerly Invitae), Labcorp); PubMed 25480913 (cited by Labcorp Genetics (formerly Invitae), Labcorp); PubMed 25795793 (cited by Labcorp Genetics (formerly Invitae), Labcorp); PubMed 29469822 (cited by Labcorp Genetics (formerly Invitae), Labcorp); PubMed 30368668 (cited by Labcorp Genetics (formerly Invitae), Labcorp); PubMed 30442762 (cited by Labcorp Genetics (formerly Invitae), Labcorp); PubMed 30442766 (cited by Labcorp Genetics (formerly Invitae), Labcorp); PubMed 30481304 (cited by Labcorp Genetics (formerly Invitae), Labcorp); PubMed 30859559 (cited by Labcorp Genetics (formerly Invitae), Labcorp); PubMed 29409008 (cited by Labcorp Genetics (formerly Invitae), Labcorp).